The following is an entry in ClinVar:

ClinVar aggregate classification (germline): Uncertain significance (1 of 4 stars; one submission).

Conditions:
Immunodeficiency 31B. Also called: STAT1 DEFICIENCY, AUTOSOMAL RECESSIVE; IMMUNODEFICIENCY 31B, MYCOBACTERIAL AND VIRAL INFECTIONS, AUTOSOMAL RECESSIVE. Identifiers: Orphanet 391311, MedGen C3151088, MONDO:0013427, OMIM 613796.
Autoimmune enteropathy and endocrinopathy - susceptibility to chronic infections syndrome. Also called: Immunodeficiency 31C, autosomal dominant; Immunodeficiency 31C. Identifiers: Orphanet 391487, MedGen C3279990, MONDO:0013599, OMIM 614162.
Mendelian susceptibility to mycobacterial diseases due to partial STAT1 deficiency. Also called: IMMUNODEFICIENCY 31A, MYCOBACTERIOSIS, AUTOSOMAL DOMINANT; STAT1 DEFICIENCY, AUTOSOMAL DOMINANT; Immunodeficiency 31a. Identifiers: Orphanet 319595, MedGen C4013950, MONDO:0013956, OMIM 614892.

Allele frequency attached by ClinVar (database versions not stated): TOPMed below 0.00001; ExAC 0.00001; gnomAD 0.00001; gnomAD exomes 0.00002; ESP Exome Variant Server 0.00008.
gnomAD v4.1: 26 of 1,614,126 alleles (0.0016%); highest among the groups gnomAD compares: Non-Finnish European, 0.0022%; no homozygotes.

Submission:

Labcorp Genetics (formerly Invitae), Labcorp
Classification: Uncertain significance for Mendelian susceptibility to mycobacterial diseases due to partial STAT1 deficiency; Immunodeficiency 31B; Autoimmune enteropathy and endocrinopathy - susceptibility to chronic infections syndrome. Last evaluated: 2024-10-02. Review status: criteria provided, single submitter. Criteria: Invitae Variant Classification Sherloc (09022015). Collection method: clinical testing. Allele origin: germline.
Comment: This sequence change replaces isoleucine, which is neutral and non-polar, with valine, which is neutral and non-polar, at codon 648 of the STAT1 protein (p.Ile648Val). This variant is present in population databases (rs369876674, gnomAD 0.002%). This variant has not been reported in the literature in individuals affected with STAT1-related conditions. ClinVar contains an entry for this variant (Variation ID: 2118476). An algorithm developed to predict the effect of missense changes on protein structure and function (PolyPhen-2) suggests that this variant is likely to be disruptive. In summary, the available evidence is currently insufficient to determine the role of this variant in disease. Therefore, it has been classified as a Variant of Uncertain Significance.

NM_007315.4(STAT1):c.1942A>G (p.Ile648Val)

Gene: STAT1 (signal transducer and activator of transcription 1; minus strand). Cytogenetic location: 2q32.2.
Variant type: single nucleotide variant.
Coding change: c.1942A>G on transcript NM_007315.4 (MANE Select); coding-DNA position 1942, A replaced by G.
Protein change: p.Ile648Val; replaces isoleucine 648 with valine.
Molecular consequence: missense variant.
Genome position (GRCh38, 1-based): chr2:190,976,957, T>C on the plus strand (A>G on the coding strand, the complement: STAT1 is on the minus strand). VCF-style: chr2-190976957-T-C. GRCh37 (hg19) VCF-style: chr2-191841683-T-C.
Other names: c.1882A>G, p.Ile628Val (NM_001384880.1); c.1948A>G, p.Ile650Val (NM_001384881.1, NM_001384884.1); c.1936A>G, p.Ile646Val (NM_001384882.1); c.1843A>G, p.Ile615Val (NM_001384883.1); c.1783A>G, p.Ile595Val (NM_001384885.1); c.1942A>G, p.Ile648Val (NM_001384886.1, NM_001384889.1, NM_139266.3); c.1849A>G, p.Ile617Val (NM_001384887.1); c.1912A>G, p.Ile638Val (NM_001384888.1); and 2 more; short protein forms I615V, I650V, I660V, I618V, I638V, I648V, I617V, I646V.
Identifiers: ClinVar variation 2118476 (VCV002118476.4), dbSNP rs369876674, ClinGen allele CA2029774.